The following is an entry in ClinVar:

NM_006015.6(ARID1A):c.4818C>T (p.Phe1606=)

Gene: ARID1A (AT-rich interaction domain 1A; plus strand). Cytogenetic location: 1p36.11.
Variant type: single nucleotide variant.
Coding change: c.4818C>T on transcript NM_006015.6 (MANE Select); coding-DNA position 4818, C replaced by T.
Protein change: p.Phe1606=; no amino-acid change (phenylalanine 1606 retained).
Molecular consequence: synonymous variant.
Genome position (GRCh38, 1-based): chr1:26,775,045, C>T. VCF-style: chr1-26775045-C-T. GRCh37 (hg19) VCF-style: chr1-27101536-C-T.
Other names: c.4167C>T, p.Phe1389= (NM_139135.4).
Identifiers: ClinVar variation 1912784 (VCV001912784.7), dbSNP rs548881096, ClinGen allele CA707527.

ClinVar aggregate classification (germline): Likely benign. Review status: criteria provided, single submitter (1 of 4 stars). 2 submissions from 2 submitters: Likely benign (1). 1 of the submissions does not count toward it. Last evaluated 2025-10-16.

Conditions:
ARID1A-related disorder. Also called: ARID1A-related condition.

Allele frequency attached by ClinVar (database versions not stated): gnomAD exomes 0.00001; ExAC 0.00002; gnomAD 0.00003; TOPMed 0.00006; 1000 Genomes Project 30x 0.00016; 1000 Genomes Project 0.00020.
gnomAD v4.1: 13 of 1,612,886 alleles (0.00081%); highest among the groups gnomAD compares: African/African-American, 0.008%; no homozygotes.

Submissions (2):

Labcorp Genetics (formerly Invitae), Labcorp
Classification: Likely benign. Last evaluated: 2025-10-16. Review status: criteria provided, single submitter. Criteria: Invitae Variant Classification Sherloc (09022015). Collection method: clinical testing. Allele origin: germline.

PreventionGenetics, part of Exact Sciences
Classification: Likely benign for ARID1A-related condition. Last evaluated: 2024-01-05. Review status: no assertion criteria provided. Collection method: clinical testing. Allele origin: germline. Not counted in ClinVar's aggregate classification.
Comment: This variant is classified as likely benign based on ACMG/AMP sequence variant interpretation guidelines (Richards et al. 2015 PMID: 25741868, with internal and published modifications).